The following is an entry in ClinVar:

ClinVar aggregate classification (germline): Uncertain significance (1 of 4 stars; one submission).

Conditions:
Inborn genetic diseases. Identifiers: MedGen C0950123, MeSH D030342.

gnomAD v4.1: 11 of 1,612,504 alleles (0.00068%); highest among the groups gnomAD compares: African/African-American, 0.004%; no homozygotes.

Submission:

Ambry Genetics
Classification: Uncertain significance for Inborn genetic diseases. Last evaluated: 2025-01-13. Review status: criteria provided, single submitter. Criteria: Ambry Variant Classification Scheme 2023. Collection method: clinical testing. Allele origin: germline.
Comment: The p.R339H variant (also known as c.1016G>A), located in coding exon 7 of the MECOM gene, results from a G to A substitution at nucleotide position 1016. The arginine at codon 339 is replaced by histidine, an amino acid with highly similar properties. This amino acid position is conserved. In addition, this alteration is predicted to be deleterious by in silico analysis. Based on the available evidence, the clinical significance of this variant remains unclear.

NM_004991.4(MECOM):c.1016G>A (p.Arg339His)

Gene: MECOM (MDS1 and EVI1 complex locus; minus strand). Cytogenetic location: 3q26.2.
Variant type: single nucleotide variant.
Coding change: c.1016G>A on transcript NM_004991.4 (MANE Select); coding-DNA position 1016, G replaced by A.
Protein change: p.Arg339His; replaces arginine 339 with histidine.
Molecular consequence: missense variant.
Genome position (GRCh38, 1-based): chr3:169,121,172, C>T on the plus strand (G>A on the coding strand, the complement: MECOM is on the minus strand). VCF-style: chr3-169121172-C-T. GRCh37 (hg19) VCF-style: chr3-168838960-C-T.
Other names: c.647G>A, p.Arg216His (NM_001105077.4); c.452G>A, p.Arg151His (NM_001105078.4, NM_001164000.2, NM_001205194.2 and 5 more transcripts); c.455G>A, p.Arg152His (NM_001163999.2, NM_001366467.2, NM_001366468.2 and 1 more transcripts); c.1016G>A, p.Arg339His (NM_001366466.2, NM_001366473.2); short protein forms R151H, R339H, R152H, R216H.
Identifiers: ClinVar variation 3871705 (VCV003871705.1).